The following is an entry in ClinVar:

ClinVar aggregate classification (germline): Uncertain significance (1 of 4 stars; one submission).

Conditions:
Developmental and epileptic encephalopathy, 25 (DEE25). Also called: Epileptic encephalopathy, early infantile, 25; Developmental and epileptic encephalopathy 25, with amelogenesis imperfecta; Epileptic encephalopathy, early infantile, 25, with amelogenesis imperfecta. Identifiers: Orphanet 442835, MedGen C4014621, MONDO:0014392, OMIM 615905.

Submission:

Labcorp Genetics (formerly Invitae), Labcorp
Classification: Uncertain significance for Developmental and epileptic encephalopathy, 25. Last evaluated: 2023-06-27. Review status: criteria provided, single submitter. Criteria: Invitae Variant Classification Sherloc (09022015). Collection method: clinical testing. Allele origin: germline.
Comment: This variant has not been reported in the literature in individuals affected with SLC13A5-related conditions. ClinVar contains an entry for this variant (Variation ID: 1373174). Variants that disrupt the consensus splice site are a relatively common cause of aberrant splicing (PMID: 17576681, 9536098). Algorithms developed to predict the effect of sequence changes on RNA splicing suggest that this variant may disrupt the consensus splice site. In summary, the available evidence is currently insufficient to determine the role of this variant in disease. Therefore, it has been classified as a Variant of Uncertain Significance. This sequence change affects codon 34 of the SLC13A5 mRNA. It is a 'silent' change, meaning that it does not change the encoded amino acid sequence of the SLC13A5 protein. This variant also falls at the last nucleotide of exon 1, which is part of the consensus splice site for this exon. This variant is not present in population databases (gnomAD no frequency).

Literature cited by the submitters: PubMed 17576681; PubMed 9536098.

NM_177550.5(SLC13A5):c.102G>A (p.Lys34=)

Gene: SLC13A5 (solute carrier family 13 member 5; minus strand). Cytogenetic location: 17p13.1.
Variant type: single nucleotide variant.
Coding change: c.102G>A on transcript NM_177550.5 (MANE Select); coding-DNA position 102, G replaced by A.
Protein change: p.Lys34=; no amino-acid change (lysine 34 retained).
Molecular consequence: synonymous variant.
Genome position (GRCh38, 1-based): chr17:6,713,232, C>T on the plus strand (G>A on the coding strand, the complement: SLC13A5 is on the minus strand). VCF-style: chr17-6713232-C-T. GRCh37 (hg19) VCF-style: chr17-6616551-C-T.
Other names: c.102G>A, p.Lys34= (NM_001143838.3, NM_001284509.2, NM_001284510.2).
Identifiers: ClinVar variation 1373174 (VCV001373174.8), dbSNP rs2151505650, ClinGen allele CA497596846.